The following is an entry in ClinVar:

ClinVar aggregate classification (germline): Uncertain significance (1 of 4 stars; one submission).

Conditions:
Focal segmental glomerulosclerosis 5 (FSGS5). Identifiers: Orphanet 656, MedGen C2750475, MONDO:0013191, OMIM 613237.
Charcot-Marie-Tooth disease dominant intermediate E. Also called: CHARCOT-MARIE-TOOTH NEUROPATHY WITH FOCAL SEGMENTAL GLOMERULONEPHRITIS. Identifiers: Orphanet 93114, MedGen C4302667, MONDO:0013758, OMIM 614455.

Submission:

Labcorp Genetics (formerly Invitae), Labcorp
Classification: Uncertain significance for Charcot-Marie-Tooth disease dominant intermediate E; Focal segmental glomerulosclerosis 5. Last evaluated: 2020-10-20. Review status: criteria provided, single submitter. Criteria: Invitae Variant Classification Sherloc (09022015). Collection method: clinical testing. Allele origin: germline.
Comment: Algorithms developed to predict the effect of missense changes on protein structure and function output the following: SIFT: "Tolerated"; PolyPhen-2: "Not Available"; Align-GVGD: "Class C0". The serine amino acid residue is found in multiple mammalian species, suggesting that this missense change does not adversely affect protein function. These predictions have not been confirmed by published functional studies and their clinical significance is uncertain. In summary, the available evidence is currently insufficient to determine the role of this variant in disease. Therefore, it has been classified as a Variant of Uncertain Significance. This variant has not been reported in the literature in individuals with INF2-related conditions. This variant is not present in population databases (ExAC no frequency). This sequence change replaces proline with serine at codon 1121 of the INF2 protein (p.Pro1121Ser). The proline residue is weakly conserved and there is a moderate physicochemical difference between proline and serine.

NM_022489.4(INF2):c.3361C>T (p.Pro1121Ser)

Gene: INF2 (inverted formin 2; plus strand). Cytogenetic location: 14q32.33.
Variant type: single nucleotide variant.
Coding change: c.3361C>T on transcript NM_022489.4 (MANE Select); coding-DNA position 3361, C replaced by T.
Protein change: p.Pro1121Ser; replaces proline 1121 with serine.
Molecular consequence: missense variant.
Genome position (GRCh38, 1-based): chr14:104,714,523, C>T. VCF-style: chr14-104714523-C-T. GRCh37 (hg19) VCF-style: chr14-105180860-C-T.
Other names: c.3361C>T, p.Pro1121Ser (NM_001031714.4); short protein forms P1121S.
Identifiers: ClinVar variation 1009353 (VCV001009353.8), dbSNP rs1248997686, ClinGen allele CA391224193.